The following is an entry in ClinVar:

ClinVar aggregate classification (germline): Uncertain significance (1 of 4 stars; one submission).

Submission:

Ambry Genetics
Classification: Uncertain significance. Last evaluated: 2024-01-11. Review status: criteria provided, single submitter. Criteria: Ambry Variant Classification Scheme 2023. Collection method: clinical testing. Allele origin: germline.
Comment: The p.N1570H variant (also known as c.4708A>C), located in coding exon 4 of the ALPK2 gene, results from an A to C substitution at nucleotide position 4708. The asparagine at codon 1570 is replaced by histidine, an amino acid with similar properties. This amino acid position is conserved. In addition, this alteration is predicted to be tolerated by in silico analysis. Since supporting evidence is limited at this time, the clinical significance of this alteration remains unclear.

NM_052947.4(ALPK2):c.4708A>C (p.Asn1570His)

Genes: ALPK2 (alpha kinase 2; minus strand), LOC126862764 (BRD4-independent group 4 enhancer GRCh37_chr18:56202574-56203773; plus strand). Cytogenetic location: 18q21.31.
Variant type: single nucleotide variant.
Coding change: c.4708A>C on transcript NM_052947.4 (MANE Select); coding-DNA position 4708, A replaced by C.
Protein change: p.Asn1570His; replaces asparagine 1570 with histidine.
Molecular consequence: missense variant.
Genome position (GRCh38, 1-based): chr18:58,535,479, T>G on the plus strand (A>C on the coding strand, the complement: ALPK2 is on the minus strand). VCF-style: chr18-58535479-T-G. GRCh37 (hg19) VCF-style: chr18-56202711-T-G.
Other names: short protein forms N1570H.
Identifiers: ClinVar variation 3228761 (VCV003228761.1), dbSNP rs2518874224, ClinGen allele CA402560271.